The following is an entry in ClinVar:

NM_000027.4(AGA):c.913A>T (p.Ile305Leu)

Gene: AGA (aspartylglucosaminidase; minus strand). Cytogenetic location: 4q34.3.
Variant type: single nucleotide variant.
Coding change: c.913A>T on transcript NM_000027.4 (MANE Select); coding-DNA position 913, A replaced by T.
Protein change: p.Ile305Leu; replaces isoleucine 305 with leucine.
Molecular consequence: missense variant. On other transcripts: non-coding transcript variant (1).
Genome position (GRCh38, 1-based): chr4:177,433,241, T>A on the plus strand (A>T on the coding strand, the complement: AGA is on the minus strand). VCF-style: chr4-177433241-T-A. GRCh37 (hg19) VCF-style: chr4-178354395-T-A.
Other names: c.883A>T, p.Ile295Leu (NM_001171988.2); short protein forms I305L, I295L.
Identifiers: ClinVar variation 1765928 (VCV001765928.2), dbSNP rs946073343, ClinGen allele CA358781161.

ClinVar aggregate classification (germline): Uncertain significance (1 of 4 stars; one submission).

Conditions:
Inborn genetic diseases. Identifiers: MedGen C0950123, MeSH D030342.

Submission:

Ambry Genetics
Classification: Uncertain significance for Inborn genetic diseases. Last evaluated: 2021-06-23. Review status: criteria provided, single submitter. Criteria: Ambry Variant Classification Scheme 2023. Collection method: clinical testing. Allele origin: germline.
Comment: The p.I305L variant (also known as c.913A>T), located in coding exon 8 of the AGA gene, results from an A to T substitution at nucleotide position 913. The isoleucine at codon 305 is replaced by leucine, an amino acid with highly similar properties. This amino acid position is conserved. In addition, the in silico prediction for this alteration is inconclusive. Since supporting evidence is limited at this time, the clinical significance of this alteration remains unclear.